The following is an entry in ClinVar:

NM_001394062.1(MACF1):c.19937C>T (p.Ser6646Leu)

Gene: MACF1 (microtubule actin crosslinking factor 1; plus strand). Cytogenetic location: 1p34.3.
Variant type: single nucleotide variant.
Coding change: c.19937C>T on transcript NM_001394062.1 (MANE Select); coding-DNA position 19937, C replaced by T.
Protein change: p.Ser6646Leu; replaces serine 6646 with leucine.
Molecular consequence: missense variant.
Genome position (GRCh38, 1-based): chr1:39,447,867, C>T. VCF-style: chr1-39447867-C-T. GRCh37 (hg19) VCF-style: chr1-39913539-C-T.
Other names: c.8015C>T, p.Ser2672Leu (NM_001397473.1); c.13760C>T, p.Ser4587Leu (NM_012090.5); short protein forms S2672L, S4587L, S6646L.
Identifiers: ClinVar variation 2571731 (VCV002571731.2), dbSNP rs1644259167, ClinGen allele CA339820141.

ClinVar aggregate classification (germline): Uncertain significance (1 of 4 stars; one submission).

Allele frequency attached by ClinVar (database versions not stated): gnomAD 0.00001.
gnomAD v4.1: 1 of 1,613,788 alleles (0.000062%); highest among the groups gnomAD compares: African/African-American, 0.0013%; no homozygotes.

Submission:

GeneDx
Classification: Uncertain significance. Last evaluated: 2024-04-22. Review status: criteria provided, single submitter. Criteria: GeneDx Variant Classification Process June 2021. Collection method: clinical testing. Allele origin: germline. Affected: yes.
Comment: Not observed at significant frequency in large population cohorts (gnomAD); In silico analysis supports that this missense variant has a deleterious effect on protein structure/function; Has not been previously published as pathogenic or benign to our knowledge